The following is an entry in ClinVar:

NM_012448.4(STAT5B):c.407C>A (p.Ala136Asp)

Gene: STAT5B (signal transducer and activator of transcription 5B; minus strand). Cytogenetic location: 17q21.2.
Variant type: single nucleotide variant.
Coding change: c.407C>A on transcript NM_012448.4 (MANE Select); coding-DNA position 407, C replaced by A.
Protein change: p.Ala136Asp; replaces alanine 136 with aspartic acid.
Molecular consequence: missense variant.
Genome position (GRCh38, 1-based): chr17:42,223,525, G>T on the plus strand (C>A on the coding strand, the complement: STAT5B is on the minus strand). VCF-style: chr17-42223525-G-T. GRCh37 (hg19) VCF-style: chr17-40375543-G-T.
Other names: short protein forms A136D.
Identifiers: ClinVar variation 1476617 (VCV001476617.8), dbSNP rs2144267472, ClinGen allele CA399589550.
Genomic context (GRCh38, chr17:42,223,525, plus strand): 5'-TGCGTGACCAGTCGCAGCTCCTCAAACGTCTGGTTGATCTGGAGGTGTTTCTGGGACATG[G>T]CATCAGCAAGGCTTCCAGCTGGAGAGCTACCCTGGGAACATATGGGGGGCAGTGCAAGGC-3'
Protein context (NP_036580.2, residues 126-146): GSSPAGSLAD[Ala136Asp]MSQKHLQINQ

ClinVar aggregate classification (germline): Uncertain significance (1 of 4 stars; one submission).

Conditions:
Growth hormone insensitivity with immune dysregulation 1, autosomal recessive. Also called: GROWTH HORMONE INSENSITIVITY SYNDROME WITH IMMUNE DYSREGULATION 1, AUTOSOMAL RECESSIVE; GROWTH HORMONE INSENSITIVITY DUE TO POSTRECEPTOR DEFECT; LARON SYNDROME DUE TO POSTRECEPTOR DEFECT; Laron syndrome with immunodeficiency. Identifiers: Orphanet 220465, MedGen C5435698, MONDO:0100211, OMIM 245590.

Submission:

Labcorp Genetics (formerly Invitae), Labcorp
Classification: Uncertain significance for Growth hormone insensitivity with immune dysregulation 1, autosomal recessive. Last evaluated: 2022-02-11. Review status: criteria provided, single submitter. Criteria: Invitae Variant Classification Sherloc (09022015). Collection method: clinical testing. Allele origin: germline.
Comment: In summary, the available evidence is currently insufficient to determine the role of this variant in disease. Therefore, it has been classified as a Variant of Uncertain Significance. Algorithms developed to predict the effect of missense changes on protein structure and function (SIFT, PolyPhen-2, Align-GVGD) all suggest that this variant is likely to be tolerated. This variant has not been reported in the literature in individuals affected with STAT5B-related conditions. This variant is not present in population databases (gnomAD no frequency). This sequence change replaces alanine, which is neutral and non-polar, with aspartic acid, which is acidic and polar, at codon 136 of the STAT5B protein (p.Ala136Asp).